The following is an entry in ClinVar:

NM_002471.4(MYH6):c.5661G>A (p.Ala1887=)

Gene: MYH6 (myosin heavy chain 6; minus strand). Cytogenetic location: 14q11.2.
Variant type: single nucleotide variant.
Coding change: c.5661G>A on transcript NM_002471.4 (MANE Select); coding-DNA position 5661, G replaced by A.
Protein change: p.Ala1887=; no amino-acid change (alanine 1887 retained).
Molecular consequence: synonymous variant.
Genome position (GRCh38, 1-based): chr14:23,383,225, C>T on the plus strand (G>A on the coding strand, the complement: MYH6 is on the minus strand). VCF-style: chr14-23383225-C-T. GRCh37 (hg19) VCF-style: chr14-23852434-C-T.
Identifiers: ClinVar variation 578698 (VCV000578698.16), dbSNP rs759126258, ClinGen allele CA7114322.
Genomic context (GRCh38, chr14:23,383,225, plus strand): 5'-CATTGGTTCTCACAAATAGTAGGTGTGTTGATGAGAAAGGGAAGAAAGCTCTGAACTCAC[C>T]GCCTCCTCGGCCTGGCGCTTGTAGGCCTTGACCTTCAGTTGCAGCTTGTCCACCAGGTCC-3'
Protein context (NP_002462.2, residues 1877-1897): VKAYKRQAEE[Ala1887=]EEQANTNLSK

ClinVar aggregate classification (germline): Conflicting classifications of pathogenicity. Review status: criteria provided, conflicting classifications (1 of 4 stars). 6 submissions from 6 submitters: Uncertain significance (3); Likely benign (1). 2 of the submissions do not count toward it. Last evaluated 2025-07-27.

Conditions:
Hypertrophic cardiomyopathy 14. Identifiers: MedGen C2750467, MONDO:0013197, OMIM 613251.
Cardiovascular phenotype. Identifiers: MedGen CN230736.

Allele frequency attached by ClinVar (database versions not stated): ExAC 0.00002; TOPMed 0.00002; gnomAD 0.00004.
gnomAD v4.1: 79 of 1,611,090 alleles (0.0049%); highest among the groups gnomAD compares: East Asian, 0.013%; no homozygotes.

Submissions (6):

Labcorp Genetics (formerly Invitae), Labcorp
Classification: Uncertain significance for Hypertrophic cardiomyopathy 14. Last evaluated: 2025-07-27. Review status: criteria provided, single submitter. Criteria: Invitae Variant Classification Sherloc (09022015). Collection method: clinical testing. Allele origin: germline.
Comment: This sequence change affects codon 1887 of the MYH6 mRNA. It is a 'silent' change, meaning that it does not change the encoded amino acid sequence of the MYH6 protein. This variant also falls at the last nucleotide of exon 37, which is part of the consensus splice site for this exon. This variant is present in population databases (rs759126258, gnomAD 0.008%). This variant has not been reported in the literature in individuals affected with MYH6-related conditions. ClinVar contains an entry for this variant (Variation ID: 578698). Variants that disrupt the consensus splice site are a relatively common cause of aberrant splicing (PMID: 17576681, 9536098). Algorithms developed to predict the effect of sequence changes on RNA splicing suggest that this variant is not likely to affect RNA splicing. In summary, the available evidence is currently insufficient to determine the role of this variant in disease. Therefore, it has been classified as a Variant of Uncertain Significance.

Laboratory of Genetics, Children's Clinical University Hospital Latvia
Classification: Likely benign. Last evaluated: 2025-02-16. Review status: criteria provided, single submitter. Criteria: ACMG Guidelines, 2015. Collection method: clinical testing. Allele origin: germline. Affected: yes.

Ambry Genetics
Classification: Uncertain significance for Cardiovascular phenotype. Last evaluated: 2024-06-10. Review status: criteria provided, single submitter. Criteria: Ambry Variant Classification Scheme 2023. Collection method: clinical testing. Allele origin: germline.
Comment: The c.5661G>A variant (also known as p.A1887A), located in coding exon 35 of the MYH6 gene, results from a G to A substitution at nucleotide position 5661. This nucleotide substitution does not change the amino acid at codon 1887. However, this change occurs in the last base pair of coding exon 35, which makes it likely to have some effect on normal mRNA splicing. This nucleotide position is not well conserved in available vertebrate species. In silico splice site analysis predicts that this alteration will not have any significant effect on splicing. In addition, loss of function of MYH6 has not been established as a mechanism of disease. Based on the available evidence, the clinical significance of this alteration remains unclear.

GeneDx
Classification: Uncertain significance. Last evaluated: 2020-03-16. Review status: criteria provided, single submitter. Criteria: GeneDx Variant Classification Process June 2021. Collection method: clinical testing. Allele origin: germline. Affected: yes.
Comment: Has not been previously published as pathogenic or benign to our knowledge; Reported in ClinVar as a variant of uncertain significance (ClinVar Variant ID# 578698; Landrum et al., 2016); In-silico analysis, which includes splice predictors and evolutionary conservation, is inconclusive as to whether the variant alters gene splicing; in the absence of RNA/functional studies, the actual effect of this sequence change is unknown

Clinical Genetics DNA and cytogenetics Diagnostics Lab, Erasmus MC, Erasmus Medical Center
Classification: Uncertain significance. Review status: no assertion criteria provided. Collection method: clinical testing. Allele origin: germline. Affected: yes. Study: VKGL Data-share Consensus. Not counted in ClinVar's aggregate classification.

Joint Genome Diagnostic Labs from Nijmegen and Maastricht, Radboudumc and MUMC+
Classification: Uncertain significance. Review status: no assertion criteria provided. Collection method: clinical testing. Allele origin: germline. Affected: yes. Study: VKGL Data-share Consensus. Not counted in ClinVar's aggregate classification.

Literature cited by the submitters: PubMed 17576681 (cited by Labcorp Genetics (formerly Invitae), Labcorp); PubMed 9536098 (cited by Labcorp Genetics (formerly Invitae), Labcorp).